The following is an entry in ClinVar:

NM_052905.4(FMNL2):c.2797_2799del (p.Asn933del)

Gene: FMNL2 (formin like 2; plus strand). Cytogenetic location: 2q23.3.
Variant type: Deletion.
Coding change: c.2797_2799del on transcript NM_052905.4 (MANE Select); coding-DNA positions 2797 to 2799, 3 bases deleted (AAT; older notation c.2797_2799delAAT).
Protein change: p.Asn933del; deletes asparagine 933.
Molecular consequence: inframe deletion.
Genome position (GRCh38, 1-based): chr2:152,636,543-152,636,545, AAT deleted. VCF-style (leftmost placement, unchanged base first): chr2-152636542-CAAT-C. GRCh37 (hg19) VCF-style: chr2-153493056-CAAT-C.
Other names: short protein forms N933del.
Identifiers: ClinVar variation 3341506 (VCV003341506.16).

ClinVar aggregate classification (germline): Likely benign (1 of 4 stars; one submission).

Submission:

CeGaT Center for Human Genetics Tuebingen
Classification: Likely benign. Last evaluated: 2024-08-01. Review status: criteria provided, single submitter. Criteria: CeGaT Center For Human Genetics Tuebingen Variant Classification Criteria Version 2. Collection method: clinical testing. Allele origin: germline. Affected: yes. Observed: 1 variant allele.
Comment: FMNL2: PM4:Supporting, BS2